The following is an entry in ClinVar:

NM_004393.6(DAG1):c.2561G>A (p.Arg854Gln)

Gene: DAG1 (dystroglycan 1; plus strand). Cytogenetic location: 3p21.31.
Variant type: single nucleotide variant.
Coding change: c.2561G>A on transcript NM_004393.6 (MANE Select); coding-DNA position 2561, G replaced by A.
Protein change: p.Arg854Gln; replaces arginine 854 with glutamine.
Molecular consequence: missense variant.
Genome position (GRCh38, 1-based): chr3:49,533,072, G>A. VCF-style: chr3-49533072-G-A. GRCh37 (hg19) VCF-style: chr3-49570505-G-A.
Other names: c.2561G>A, p.Arg854Gln (NM_001165928.4, NM_001177634.3, NM_001177635.3 and 9 more transcripts); c.2561G>A (NM_004393.4); short protein forms R854Q.
Identifiers: ClinVar variation 282862 (VCV000282862.11), dbSNP rs199933395, ClinGen allele CA2399291.

ClinVar aggregate classification (germline): Conflicting classifications of pathogenicity. Review status: criteria provided, conflicting classifications (1 of 4 stars). 4 submissions from 4 submitters: Uncertain significance (3); Likely benign (1). Last evaluated 2026-02-04.

Conditions:
Inborn genetic diseases. Identifiers: MedGen C0950123, MeSH D030342.
Autosomal recessive limb-girdle muscular dystrophy type 2P. Also called: Limb-Girdle Muscular Dystrophy Type 9C; MUSCULAR DYSTROPHY, LIMB-GIRDLE, TYPE 2P; MUSCULAR DYSTROPHY-DYSTROGLYCANOPATHY, LIMB-GIRDLE, DAG1-RELATED. Identifiers: Orphanet 280333, MedGen C4511963, MONDO:0013440, OMIM 613818.
Muscular dystrophy-dystroglycanopathy (congenital with brain and eye anomalies), type A9. Also called: WALKER-WARBURG SYNDROME OR MUSCLE-EYE BRAIN DISEASE, DAG1-RELATED; Muscular dystrophy-dystroglycanopathy (congenital with brain and eye anomalies), type a, 9. Identifiers: Orphanet 370997, Orphanet 899, MedGen C4225291, MONDO:0014683, OMIM 616538.

Allele frequency attached by ClinVar (database versions not stated): TOPMed 0.00002.
gnomAD v4.1: 32 of 1,613,982 alleles (0.002%); highest among the groups gnomAD compares: Admixed American, 0.025%; no homozygotes.

Submissions (4):

Ambry Genetics
Classification: Likely benign for Inborn genetic diseases. Last evaluated: 2026-02-04. Review status: criteria provided, single submitter. Criteria: Ambry Variant Classification Scheme 2023. Collection method: clinical testing. Allele origin: germline.

Labcorp Genetics (formerly Invitae), Labcorp
Classification: Uncertain significance for Autosomal recessive limb-girdle muscular dystrophy type 2P; Muscular dystrophy-dystroglycanopathy (congenital with brain and eye anomalies), type A9. Last evaluated: 2025-10-04. Review status: criteria provided, single submitter. Criteria: Invitae Variant Classification Sherloc (09022015). Collection method: clinical testing. Allele origin: germline.
Comment: This sequence change replaces arginine, which is basic and polar, with glutamine, which is neutral and polar, at codon 854 of the DAG1 protein (p.Arg854Gln). This variant is present in population databases (rs199933395, gnomAD 0.01%). This variant has not been reported in the literature in individuals affected with DAG1-related conditions. ClinVar contains an entry for this variant (Variation ID: 282862). Invitae Evidence Modeling of protein sequence and biophysical properties (such as structural, functional, and spatial information, amino acid conservation, physicochemical variation, residue mobility, and thermodynamic stability) indicates that this missense variant is not expected to disrupt DAG1 protein function with a negative predictive value of 80%. In summary, the available evidence is currently insufficient to determine the role of this variant in disease. Therefore, it has been classified as a Variant of Uncertain Significance.

Eurofins Ntd Llc (ga)
Classification: Uncertain significance. Last evaluated: 2015-08-25. Review status: criteria provided, single submitter. Criteria: EGL Classification Definitions 2015. Collection method: clinical testing. Allele origin: germline. Observed: 1 variant allele, 1 heterozygote.

Breakthrough Genomics
Classification: Uncertain significance. Review status: criteria provided, single submitter. Criteria: ACMG Guidelines, 2015. Collection method: not provided. Allele origin: germline. Inheritance: Autosomal recessive inheritance. Affected: yes.

Literature cited by the submitters: PubMed 36413997 (cited by Ambry Genetics).